The following is an entry in ClinVar:

ClinVar aggregate classification (germline): Benign (1 of 4 stars; one submission).

Allele frequency attached by ClinVar (database versions not stated): gnomAD exomes 0.00231; gnomAD 0.02205 and 0.02356; 1000 Genomes Project 0.02356; TOPMed 0.02449; 1000 Genomes Project 30x 0.02686.

Submission:

GeneDx
Classification: Benign. Last evaluated: 2018-06-14. Review status: criteria provided, single submitter. Criteria: GeneDx Variant Classification (06012015). Collection method: clinical testing. Allele origin: germline. Affected: yes.
Comment: This variant is considered likely benign or benign based on one or more of the following criteria: it is a conservative change, it occurs at a poorly conserved position in the protein, it is predicted to be benign by multiple in silico algorithms, and/or has population frequency not consistent with disease.

NM_000093.5(COL5A1):c.1882-133A>G

Gene: COL5A1 (collagen type V alpha 1 chain; plus strand). Cytogenetic location: 9q34.3.
Variant type: single nucleotide variant.
Coding change: c.1882-133A>G on transcript NM_000093.5 (MANE Select); 133 bases into the intron before coding-DNA position 1882, A replaced by G.
Molecular consequence: intron variant.
Genome position (GRCh38, 1-based): chr9:134,758,110, A>G. VCF-style: chr9-134758110-A-G. GRCh37 (hg19) VCF-style: chr9-137649956-A-G.
Other names: c.1882-133A>G (NM_001278074.1).
Identifiers: ClinVar variation 675648 (VCV000675648.1), dbSNP rs113765880, ClinGen allele CA13077956.